The following is an entry in ClinVar:

ClinVar aggregate classification (germline): Conflicting classifications of pathogenicity. Review status: criteria provided, conflicting classifications (1 of 4 stars). 14 submissions from 13 submitters: Likely pathogenic (2); Uncertain significance (11); Likely benign (1). Last evaluated 2026-02-17.

Conditions:
Oculocutaneous albinism type 1A (OCA1A). Also called: Albinism, oculocutaneous, type IA. Identifiers: Orphanet 352731, Orphanet 79431, MedGen C4551504, MONDO:0008745, OMIM 203100. Disease mechanism: loss of function.
Oculocutaneous albinism type 1B (OCA1B). Also called: ALBINISM, YELLOW MUTANT TYPE; YELLOW ALBINISM; ALBINISM, OCULOCUTANEOUS, TYPE IB. Identifiers: Orphanet 352731, Orphanet 352737, Orphanet 79434, MedGen C1847024, MONDO:0011749, OMIM 606952.
SKIN/HAIR/EYE PIGMENTATION 3, LIGHT/DARK SKIN (SHEP3). Also called: SKIN/HAIR/EYE PIGMENTATION, VARIATION IN, 3; SKIN/HAIR/EYE PIGMENTATION 3, BLUE/GREEN EYE COLOR; SKIN/HAIR/EYE PIGMENTATION 3, FRECKLING; EYE COLOR 1; EYE COLOR, GREEN/BLUE. Identifiers: MedGen C2677190, OMIM 601800.
Oculocutaneous albinism. Identifiers: Orphanet 55, MedGen C0078918, MONDO:0018910.
Ocular albinism with congenital sensorineural hearing loss. Identifiers: MedGen CN028925.

Allele frequency attached by ClinVar (database versions not stated): ESP Exome Variant Server 0.00015; gnomAD 0.00017 and 0.00020; TOPMed 0.00025; gnomAD exomes 0.00030 and 0.00036; ExAC 0.00035; 1000 Genomes Project 0.00040; 1000 Genomes Project 30x 0.00047.
gnomAD v4.1: 562 of 1,613,694 alleles (0.035%); highest among the groups gnomAD compares: Middle Eastern, 0.21%; 3 homozygotes.

Submissions (14):

Women's Health and Genetics/Laboratory Corporation of America, LabCorp
Classification: Uncertain significance. Last evaluated: 2026-02-17. Review status: criteria provided, single submitter. Criteria: LabCorp Variant Classification Summary - May 2015. Collection method: clinical testing. Allele origin: germline.
Comment: Variant summary: TYR c.915C>A (p.Asp305Glu) results in a conservative amino acid change located in the copper-binding domain (IPR002227) of the encoded protein sequence. Algorithms developed to predict the effect of missense changes on protein structure and function are either unavailable or do not agree on the potential impact of this missense change. The variant allele was found at a frequency of 0.0003 in 251188 control chromosomes (gnomAD). This frequency is not significantly higher than estimated for disease-causing variants in TYR, allowing no conclusion about variant significance. c.915C>A has been reported in the literature in compound heterozygous state together with a second pathogenic variant, in an affected individual (with dermatological abnormalities), however no further phenotype details were provided (Marinakis_2021). In addition, the variant was also reported in heterozygous state in individuals affected with Oculocutaneous Albinism in whom a second (likely) pathogenic mutation was not identified (e.g. King_2003, Gronskov_2009, Mauri_2016), and was also reported in unaffected controls (Hu_011, Dopazo_2016). These data do not allow any conclusion about variant significance. To our knowledge, no experimental evidence demonstrating an impact on protein function has been reported. The following publications have been ascertained in the context of this evaluation (PMID: 26764160, 19060277, 21906913, 13680365, 34008892, 27734839). ClinVar contains an entry for this variant (Variation ID: 418532). Based on the evidence outlined above, the variant was classified as uncertain significance.

Victorian Clinical Genetics Services, Murdoch Childrens Research Institute
Classification: Uncertain significance for Oculocutaneous albinism type 1B. Last evaluated: 2025-10-29. Review status: criteria provided, single submitter. Criteria: ACMG Guidelines, 2015. Collection method: clinical testing. Allele origin: germline.
Comment: This variant is classified as VUS-3A. Evidence in support of pathogenic classification: Variant is present in gnomAD <0.01 for a recessive condition (v4: 556 heterozygote(s), 3 homozygote(s)). Additional information: Variant is predicted to result in a missense amino acid change from Asp to Glu; This variant is heterozygous; This gene is associated with autosomal recessive disease; Alternative amino acid change(s) at the same position are present in gnomAD (highest alelle count: v4: 21 heterozygote(s), 0 homozygote(s)); Previous reports of pathogenicity for this variant are conflicting. It has been classified mostly as a variant of uncertain significance and once as likely pathogenic by clinical laboratories (ClinVar). In addition, it has been reported heterozygous in an individual with OCA1A (PMID: 13680365), and heterozygous in another three unrelated individuals with the common thermosensitive p.(Arg402Gln), or p.(Ser192Tyr) variant in individuals with ocular albinism (PMIDs: 30679655, 27734839); No published functional evidence has been identified for this variant; Another missense variant(s) comparable to the one identified in this case has/have inconclusive previous evidence for pathogenicity. p.(Asp305Asn) has been classified as a variant of uncertain significance by a clinical laboratory (ClinVar); Variant is located in the annotated common central domain of tyrosinase (DECIPHER); Missense variant with inconclusive in silico prediction and uninformative conservation; Loss of function is a known mechanism of disease in this gene and is associated with oculocutaneous albinism type IA (MIM#203100) and type IB (MIM#606952).

Dasa
Classification: Uncertain significance. Last evaluated: 2025-07-29. Review status: criteria provided, single submitter. Criteria: DASA Assertion Criteria. Collection method: clinical testing. Allele origin: germline.
Comment: NM_000372.5(TYR):c.915C>A (p.Asp305Glu) is a missense variant that results in the substitution of aspartic acid with glutamic acid. The affected residue or protein region has prior evidence supporting clinical relevance. This variant has been recurrently observed in individuals with TYR-related disorders (PMID: 34008892; PMID: 30679655). Also, this variant is rare in population databases. The currently available literature and clinical evidence are not sufficient to establish a definitive association between this variant and the reported condition. Therefore, this variant is classified as a variant of uncertain significance.

Blueprint Genetics
Classification: Uncertain significance. Last evaluated: 2024-10-30. Review status: criteria provided, single submitter. Criteria: ACMG Guidelines, 2015. Collection method: clinical testing. Allele origin: germline.

GeneDx
Classification: Uncertain significance. Last evaluated: 2024-10-18. Review status: criteria provided, single submitter. Criteria: GeneDx Variant Classification Process June 2021. Collection method: clinical testing. Allele origin: germline. Affected: yes.
Comment: In silico analysis indicates that this missense variant does not alter protein structure/function; This variant is associated with the following publications: (PMID: 26764160, 34426522, 30868138, 21906913, 19060277, 34008892, 30679655, 27734839, 13680365)

Fulgent Genetics
Classification: Uncertain significance for Oculocutaneous albinism type 1A; SKIN/HAIR/EYE PIGMENTATION 3, LIGHT/DARK SKIN; Oculocutaneous albinism type 1B. Last evaluated: 2024-05-25. Review status: criteria provided, single submitter. Criteria: ACMG Guidelines, 2015. Collection method: clinical testing. Allele origin: germline.

CeGaT Center for Human Genetics Tuebingen
Classification: Uncertain significance. Last evaluated: 2024-02-01. Review status: criteria provided, single submitter. Criteria: CeGaT Center For Human Genetics Tuebingen Variant Classification Criteria Version 2. Collection method: clinical testing. Allele origin: germline. Affected: yes. Observed: 1 variant allele.
Comment: TYR: PM5, PM2:Supporting

Labcorp Genetics (formerly Invitae), Labcorp
Classification: Uncertain significance. Last evaluated: 2022-11-01. Review status: criteria provided, single submitter. Criteria: Invitae Variant Classification Sherloc (09022015). Collection method: clinical testing. Allele origin: germline.
Comment: This sequence change replaces aspartic acid, which is acidic and polar, with glutamic acid, which is acidic and polar, at codon 305 of the TYR protein (p.Asp305Glu). This variant is present in population databases (rs142170797, gnomAD 0.04%). This missense change has been observed in individual(s) with clinical features of ocular albinism (PMID: 13680365, 19060277, 27734839, 34008892). ClinVar contains an entry for this variant (Variation ID: 418532). Advanced modeling of protein sequence and biophysical properties (such as structural, functional, and spatial information, amino acid conservation, physicochemical variation, residue mobility, and thermodynamic stability) performed at Invitae indicates that this missense variant is expected to disrupt TYR protein function. In summary, the available evidence is currently insufficient to determine the role of this variant in disease. Therefore, it has been classified as a Variant of Uncertain Significance.

Genome-Nilou Lab
Classification: Uncertain significance for Oculocutaneous albinism type 1A. Last evaluated: 2021-07-22. Review status: criteria provided, single submitter. Criteria: ACMG Guidelines, 2015. Collection method: clinical testing. Allele origin: germline. Affected: no.

Fulgent Genetics
Classification: Uncertain significance for Oculocutaneous albinism type 1A; SKIN/HAIR/EYE PIGMENTATION 3, LIGHT/DARK SKIN; Oculocutaneous albinism type 1B. Last evaluated: 2018-10-31. Review status: criteria provided, single submitter. Criteria: ACMG Guidelines, 2015. Collection method: clinical testing. Allele origin: unknown.

Laboratory of Medical Genetics, National & Kapodistrian University of Athens
Classification: Likely pathogenic for Oculocutaneous albinism type 1A. Last evaluated: 2018-05-10. Review status: criteria provided, single submitter. Criteria: ACMG Guidelines, 2015. Collection method: clinical testing. Allele origin: germline. Affected: yes.
Comment: PS4,PM1,PP2,PP3

Illumina Laboratory Services, Illumina
Classification: Uncertain significance for Oculocutaneous albinism. Last evaluated: 2017-04-28. Review status: criteria provided, single submitter. Criteria: ICSL Variant Classification Criteria 13 December 2019. Collection method: clinical testing. Allele origin: germline.
Comment: This variant was observed as part of a predisposition screen in an ostensibly healthy population. A literature search was performed for the gene, cDNA change, and amino acid change (where applicable). Publications were found based on this search. However, the evidence from the literature, in combination with allele frequency data from public databases where available, was not sufficient to rule this variant in or out of causing disease. Therefore, this variant is classified as a variant of unknown significance.

Kariminejad - Najmabadi Pathology & Genetics Center
Classification: Likely pathogenic for Oculocutaneous albinism type 1A. Review status: criteria provided, single submitter. Criteria: ACMG Guidelines, 2015. Collection method: clinical testing. Allele origin: germline. Affected: no.

Laboratoire de Génétique Moléculaire, CHU Bordeaux
Classification: Likely benign for Oculocutaneous albinism type 1A. Review status: criteria provided, single submitter. Criteria: ACMG Guidelines, 2015. Collection method: clinical testing, in vitro. Allele origin: germline, not applicable. Affected: yes. Observed: 1 variant allele. Functional consequence: functionally normal.

Literature cited by the submitters: PubMed 26764160 (cited by Women's Health and Genetics/Laboratory Corporation of America, LabCorp); PubMed 34008892 (cited by 3 submitters); PubMed 19060277 (cited by 3 submitters); PubMed 27734839 (cited by 3 submitters); PubMed 13680365 (cited by 4 submitters); PubMed 21906913 (cited by Women's Health and Genetics/Laboratory Corporation of America, LabCorp and Illumina Laboratory Services, Illumina); PubMed 30679655 (cited by Victorian Clinical Genetics Services, Murdoch Childrens Research Institute and Dasa).

NM_000372.5(TYR):c.915C>A (p.Asp305Glu)

Gene: TYR (tyrosinase; plus strand). Cytogenetic location: 11q14.3.
Variant type: single nucleotide variant.
Coding change: c.915C>A on transcript NM_000372.5 (MANE Select); coding-DNA position 915, C replaced by A.
Protein change: p.Asp305Glu; replaces aspartic acid 305 with glutamic acid.
Molecular consequence: missense variant.
Genome position (GRCh38, 1-based): chr11:89,191,297, C>A. VCF-style: chr11-89191297-C-A. GRCh37 (hg19) VCF-style: chr11-88924465-C-A.
Other names: short protein forms D305E.
Identifiers: ClinVar variation 418532 (VCV000418532.47), dbSNP rs142170797, ClinGen allele CA6221261.